The following is an entry in ClinVar:

NM_000030.3(AGXT):c.525-2A>T

Gene: AGXT (alanine--glyoxylate aminotransferase; plus strand). Cytogenetic location: 2q37.3.
Variant type: single nucleotide variant.
Coding change: c.525-2A>T on transcript NM_000030.3 (MANE Select); the canonical splice acceptor site of the intron before coding-DNA position 525, A replaced by T.
Molecular consequence: splice acceptor variant.
Genome position (GRCh38, 1-based): chr2:240,872,977, A>T. VCF-style: chr2-240872977-A-T. GRCh37 (hg19) VCF-style: chr2-241812394-A-T.
Other names: c.525-2A>T (NM_000030.2).
Identifiers: ClinVar variation 2156629 (VCV002156629.6), dbSNP rs1452455390, ClinGen allele CA351316486.
Genomic context (GRCh38, chr2:240,872,977, plus strand): 5'-CAGGCCCTCCAGTGGCCCCCTGCCTCACCTGCTGCCCTCCATTCTGTCCCCCACCTCTCC[A>T]GGTACAAGTGCCTGCTCCTGGTGGATTCGGTGGCATCCCTGGGCGGGACCCCCCTTTACA-3'

ClinVar aggregate classification (germline): Pathogenic/Likely pathogenic. Review status: criteria provided, multiple submitters, no conflicts (2 of 4 stars). 3 submissions from 3 submitters: Pathogenic (1); Likely pathogenic (2). Last evaluated 2024-06-06.

Conditions:
Primary hyperoxaluria, type I (HP1). Also called: GLYCOLIC ACIDURIA; HEPATIC AGT DEFICIENCY; Primary hyperoxaluria type 1; OXALOSIS I. Identifiers: Orphanet 416, Orphanet 93598, MedGen C0268164, MONDO:0009823, OMIM 259900. Disease mechanism: loss of function.

Allele frequency attached by ClinVar (database versions not stated): TOPMed 0.00002.
gnomAD v4.1: 1 of 1,613,684 alleles (0.000062%); highest among the groups gnomAD compares: Admixed American, 0.0017%; no homozygotes.

Submissions (3):

Natera, Inc.
Classification: Likely pathogenic for Primary hyperoxaluria type I. Last evaluated: 2024-06-06. Review status: criteria provided, single submitter. Criteria: Natera Variant Classification Schema (03/2026). Collection method: clinical testing. Allele origin: germline.
Comment: The c.525-2A>T variant in AGXT is a canonical splice acceptor site variant predicted to affect pre-mRNA splicing, which may result in an abnormal transcript and altered protein product. This variant is expected to result in nonsense mediated decay, truncation, or a dysfunctional protein product. This variant is rare in the general population with a frequency below the threshold expected for the associated phenotype(s). Given the available evidence, this variant is classified as Likely Pathogenic.

Labcorp Genetics (formerly Invitae), Labcorp
Classification: Pathogenic. Last evaluated: 2023-12-11. Review status: criteria provided, single submitter. Criteria: Invitae Variant Classification Sherloc (09022015). Collection method: clinical testing. Allele origin: germline.
Comment: This sequence change affects an acceptor splice site in intron 4 of the AGXT gene. It is expected to disrupt RNA splicing. Variants that disrupt the donor or acceptor splice site typically lead to a loss of protein function (PMID: 16199547), and loss-of-function variants in AGXT are known to be pathogenic (PMID: 19479957). This variant is present in population databases (no rsID available, gnomAD 0.003%). Disruption of this splice site has been observed in individuals with primary hyperoxaluria type 1 (PMID: 10862087, 17460142). ClinVar contains an entry for this variant (Variation ID: 2156629). Algorithms developed to predict the effect of sequence changes on RNA splicing suggest that this variant may disrupt the consensus splice site. For these reasons, this variant has been classified as Pathogenic.

Baylor Genetics
Classification: Likely pathogenic for Primary hyperoxaluria, type I. Last evaluated: 2023-04-10. Review status: criteria provided, single submitter. Criteria: ACMG Guidelines, 2015. Collection method: clinical testing. Allele origin: unknown.

Literature cited by the submitters: PubMed 16199547 (cited by Labcorp Genetics (formerly Invitae), Labcorp); PubMed 19479957 (cited by Labcorp Genetics (formerly Invitae), Labcorp); PubMed 10862087 (cited by Labcorp Genetics (formerly Invitae), Labcorp); PubMed 17460142 (cited by Labcorp Genetics (formerly Invitae), Labcorp).